The following is an entry in ClinVar:

NM_138927.4(SON):c.6762G>A (p.Gln2254=)

Gene: SON (SON DNA and RNA binding protein; plus strand). Cytogenetic location: 21q22.11.
Variant type: single nucleotide variant.
Coding change: c.6762G>A on transcript NM_138927.4 (MANE Select); coding-DNA position 6762, G replaced by A.
Protein change: p.Gln2254=; no amino-acid change (glutamine 2254 retained).
Molecular consequence: synonymous variant. On other transcripts: non-coding transcript variant (1).
Genome position (GRCh38, 1-based): chr21:33,567,261, G>A. VCF-style: chr21-33567261-G-A. GRCh37 (hg19) VCF-style: chr21-34939567-G-A.
Other names: c.6762G>A (NM_138927.2); c.846G>A, p.Gln282= (NM_001291412.3).
Identifiers: ClinVar variation 4946173 (VCV004946173.2).

ClinVar aggregate classification (germline): Likely benign. Review status: criteria provided, multiple submitters, no conflicts (2 of 4 stars). 2 submissions from 2 submitters: Likely benign (2). Last evaluated 2025-11-25.

Conditions:
SON-related disorder. Also called: SON-related condition.

gnomAD v4.1: 62 of 1,563,714 alleles (0.004%); highest among the groups gnomAD compares: Admixed American, 0.067%; 1 homozygote.

Submissions (2):

PreventionGenetics, part of Exact Sciences
Classification: Likely benign for SON-related condition. Last evaluated: 2025-11-25. Review status: criteria provided, single submitter. Criteria: ACMG Guidelines, 2015. Collection method: clinical testing. Allele origin: germline.
Comment: This variant is classified as likely benign based on ACMG/AMP sequence variant interpretation guidelines (Richards et al. 2015 PMID: 25741868, with internal and published modifications).

Blueprint Genetics
Classification: Likely benign. Last evaluated: 2022-10-24. Review status: criteria provided, single submitter. Criteria: ACMG Guidelines, 2015. Collection method: clinical testing. Allele origin: germline.